The following is an entry in ClinVar:

NM_001204.7(BMPR2):c.2156G>A (p.Gly719Glu)

Gene: BMPR2 (bone morphogenetic protein receptor type 2; plus strand). Cytogenetic location: 2q33.2.
Variant type: single nucleotide variant.
Coding change: c.2156G>A on transcript NM_001204.7 (MANE Select); coding-DNA position 2156, G replaced by A.
Protein change: p.Gly719Glu; replaces glycine 719 with glutamic acid.
Molecular consequence: missense variant.
Genome position (GRCh38, 1-based): chr2:202,555,821, G>A. VCF-style: chr2-202555821-G-A. GRCh37 (hg19) VCF-style: chr2-203420544-G-A.
Other names: short protein forms G719E.
Identifiers: ClinVar variation 3824750 (VCV003824750.1).
Genomic context (GRCh38, chr2:202,555,821, plus strand): 5'-TGAGCAGTACTAGTTCTAGCTTGCTTTACCCACTCATAAAACTTGCAGTAGAAGCAACTG[G>A]ACAGCAGGACTTCACACAGACTGCAAATGGCCAAGCATGTTTGATTCCTGATGTTCTGCC-3'
Protein context (NP_001195.2, residues 709-729): PLIKLAVEAT[Gly719Glu]QQDFTQTANG

ClinVar aggregate classification (germline): Uncertain significance (1 of 4 stars; one submission).

Conditions:
Inborn genetic diseases. Identifiers: MedGen C0950123, MeSH D030342.

gnomAD v4.1: 2 of 1,614,100 alleles (0.00012%); highest among the groups gnomAD compares: Non-Finnish European, 0.00017%; no homozygotes.

Submission:

Ambry Genetics
Classification: Uncertain significance for Inborn genetic diseases. Last evaluated: 2024-12-19. Review status: criteria provided, single submitter. Criteria: Ambry Variant Classification Scheme 2023. Collection method: clinical testing. Allele origin: germline.
Comment: The p.G719E variant (also known as c.2156G>A), located in coding exon 12 of the BMPR2 gene, results from a G to A substitution at nucleotide position 2156. The glycine at codon 719 is replaced by glutamic acid, an amino acid with similar properties. This amino acid position is conserved. In addition, this alteration is predicted to be deleterious by in silico analysis. Based on the available evidence, the clinical significance of this variant remains unclear.